The following is an entry in ClinVar:

NM_005422.4(TECTA):c.2291C>G (p.Ala764Gly)

Genes: TBCEL-TECTA (TBCEL-TECTA readthrough; plus strand), TECTA (tectorin alpha; plus strand). Cytogenetic location: 11q23.3.
Variant type: single nucleotide variant.
Coding change: c.2291C>G on transcript NM_005422.4 (MANE Select); coding-DNA position 2291, C replaced by G.
Protein change: p.Ala764Gly; replaces alanine 764 with glycine.
Molecular consequence: missense variant.
Genome position (GRCh38, 1-based): chr11:121,128,268, C>G. VCF-style: chr11-121128268-C-G. GRCh37 (hg19) VCF-style: chr11-120998977-C-G.
Other names: c.3248C>G, p.Ala1083Gly (NM_001378761.1); short protein forms A764G, A1083G.
Identifiers: ClinVar variation 4982987 (VCV004982987.1).
Genomic context (GRCh38, chr11:121,128,268, plus strand): 5'-CTGAGCGCCCAGAGTACTTGGAAATCGACATCAACAAGAAGAAGCCCGATGCAGGACCTG[C>G]TTGGCTGCGGGGACTTCGGATCCTGGTGGCCGACCAGGAGGTCAAGATAGGAGGCATCGG-3'
Protein context (NP_005413.2, residues 754-774): INKKKPDAGP[Ala764Gly]WLRGLRILVA

ClinVar aggregate classification (germline): Uncertain significance (1 of 4 stars; one submission).

Conditions:
TECTA-related disorder. Also called: TECTA-related condition.

gnomAD v4.1: 16 of 1,599,786 alleles (0.001%); highest among the groups gnomAD compares: African/African-American, 0.0013%; no homozygotes.

Submission:

PreventionGenetics, part of Exact Sciences
Classification: Uncertain significance for TECTA-related condition. Last evaluated: 2026-04-07. Review status: criteria provided, single submitter. Criteria: ACMG Guidelines, 2015. Collection method: clinical testing. Allele origin: germline.
Comment: The TECTA c.2291C>G variant is predicted to result in the amino acid substitution p.Ala764Gly. To our knowledge, this variant has not been reported in the literature. This variant is reported in 0.0018% of alleles in individuals of European (Non-Finnish) descent in gnomAD. At this time, the clinical significance of this variant is uncertain due to the absence of conclusive functional and genetic evidence.